The following is an entry in ClinVar:

ClinVar aggregate classification (germline): Benign/Likely benign. Review status: criteria provided, multiple submitters, no conflicts (2 of 4 stars). 12 submissions from 11 submitters: Benign (10); Likely benign (1). 1 of the submissions does not count toward it. Last evaluated 2026-02-03.

Conditions:
Spherocytosis. Identifiers: MedGen C0553720, HP:0004444.
Hereditary spherocytosis type 1. Also called: Spherocytosis type 1; ANK1-Related Spherocytosis. Identifiers: Orphanet 822, MedGen C2674218, MONDO:0008447, OMIM 182900.

Allele frequency attached by ClinVar (database versions not stated): 1000 Genomes Project 30x 0.17739; 1000 Genomes Project 0.18071; TOPMed 0.19480; ESP Exome Variant Server 0.19622; gnomAD 0.21375; ExAC 0.25411; gnomAD exomes 0.25897 and 0.26315.
gnomAD v4.1: 416,333 of 1,613,882 alleles (26%); highest among the groups gnomAD compares: South Asian, 31%; 57,305 homozygotes.

Submissions (12):

Labcorp Genetics (formerly Invitae), Labcorp
Classification: Benign. Last evaluated: 2026-02-03. Review status: criteria provided, single submitter. Criteria: Invitae Variant Classification Sherloc (09022015). Collection method: clinical testing. Allele origin: germline.

ARUP Laboratories, Molecular Genetics and Genomics, ARUP Laboratories
Classification: Benign for Hereditary spherocytosis type 1. Last evaluated: 2025-07-31. Review status: criteria provided, single submitter. Criteria: ARUP Molecular Germline Variant Investigation Process 2024. Collection method: clinical testing. Allele origin: germline.

Blueprint Genetics
Classification: Likely benign. Last evaluated: 2024-11-27. Review status: criteria provided, single submitter. Criteria: ACMG Guidelines, 2015. Collection method: clinical testing. Allele origin: germline.

Genome-Nilou Lab
Classification: Benign for Hereditary spherocytosis type 1. Last evaluated: 2021-07-14. Review status: criteria provided, single submitter. Criteria: ACMG Guidelines, 2015. Collection method: clinical testing. Allele origin: germline. Affected: no.

GeneDx
Classification: Benign. Last evaluated: 2018-11-10. Review status: criteria provided, single submitter. Criteria: GeneDx Variant Classification Process June 2021. Collection method: clinical testing. Allele origin: germline. Affected: yes.

Illumina Laboratory Services, Illumina
Classification: Benign for Hereditary spherocytosis type 1. Last evaluated: 2018-01-12. Review status: criteria provided, single submitter. Criteria: ICSL Variant Classification Criteria 13 December 2019. Collection method: clinical testing. Allele origin: germline.
Comment: This variant was observed in the ICSL laboratory as part of a predisposition screen in an ostensibly healthy population. It had not been previously curated by ICSL or reported in the Human Gene Mutation Database (HGMD: prior to June 1st, 2018), and was therefore a candidate for classification through an automated scoring system. Utilizing variant allele frequency, disease prevalence and penetrance estimates, and inheritance mode, an automated score was calculated to assess if this variant is too frequent to cause the disease. Based on the score and internal cut-off values, a variant classified as benign is not then subjected to further curation. The score for this variant resulted in a classification of benign for this disease.

Illumina Laboratory Services, Illumina
Classification: Benign for Spherocytosis. Last evaluated: 2018-01-12. Review status: criteria provided, single submitter. Criteria: ICSL Variant Classification Criteria 13 December 2019. Collection method: clinical testing. Allele origin: germline.
Comment: the same text as in the submission from Illumina Laboratory Services, Illumina above.

Mayo Clinic Laboratories, Mayo Clinic
Classification: Benign. Last evaluated: 2016-04-16. Review status: criteria provided, single submitter. Criteria: ACMG Guidelines, 2015. Collection method: clinical testing. Allele origin: germline. Observed: 943 variant alleles.

Genome Diagnostics Laboratory, University Medical Center Utrecht
Classification: Benign for Hereditary spherocytosis type 1. Last evaluated: 2014-10-10. Review status: criteria provided, single submitter. Criteria: ACGS Guidelines, 2013. Collection method: clinical testing. Allele origin: germline. Affected: yes. Study: VKGL Data-share Consensus.

Breakthrough Genomics
Classification: Benign. Review status: criteria provided, single submitter. Criteria: ACMG Guidelines, 2015. Collection method: not provided. Allele origin: germline. Inheritance: Autosomal dominant inheritance. Affected: yes.

PreventionGenetics, part of Exact Sciences
Classification: Benign. Review status: criteria provided, single submitter. Criteria: ACMG Guidelines, 2015. Collection method: clinical testing. Allele origin: germline.

Diagnostic Laboratory, Department of Genetics, University Medical Center Groningen
Classification: Benign for Hereditary spherocytosis type 1. Review status: no assertion criteria provided. Collection method: clinical testing. Allele origin: germline. Affected: yes. Study: VKGL Data-share Consensus. Not counted in ClinVar's aggregate classification.

NM_000037.4(ANK1):c.2349C>T (p.Thr783=)

Genes: ANK1 (ankyrin 1; minus strand), LOC130000286 (ATAC-STARR-seq lymphoblastoid active region 27293; plus strand). Cytogenetic location: 8p11.21.
Variant type: single nucleotide variant.
Coding change: c.2349C>T on transcript NM_000037.4 (MANE Select); coding-DNA position 2349, C replaced by T.
Protein change: p.Thr783=; no amino-acid change (threonine 783 retained).
Molecular consequence: synonymous variant.
Genome position (GRCh38, 1-based): chr8:41,702,091, G>A on the plus strand (C>T on the coding strand, the complement: ANK1 is on the minus strand). VCF-style: chr8-41702091-G-A. GRCh37 (hg19) VCF-style: chr8-41559609-G-A.
Other names: p.Thr783=; c.2448C>T, p.Thr816= (NM_001142446.2); c.2349C>T, p.Thr783= (NM_020475.3, NM_020476.3, NM_020477.3).
Identifiers: ClinVar variation 261299 (VCV000261299.34), dbSNP rs2304880, ClinGen allele CA4728272.
Genomic context (GRCh38, chr8:41,702,091, plus strand): 5'-GCGGGGGAGAGGCAGACATACCACGAAACTGGTTTCATCCGTGACGACCTTGAGCACGTC[G>A]GTGACAGAAATGTAGCCCAAGCGCTTGGCTATGGCCAGAGGTGTGGTTCCATCCTGGGGA-3'
Protein context (NP_000028.3, residues 773-793): IAKRLGYISV[Thr783=]DVLKVVTDET